The following is an entry in ClinVar:

ClinVar aggregate classification (germline): Uncertain significance (1 of 4 stars; one submission).

Conditions:
Hereditary cancer-predisposing syndrome. Also called: Neoplastic Syndromes, Hereditary; Tumor predisposition; Hereditary Cancer Syndrome; Hereditary neoplastic syndrome. Identifiers: Orphanet 140162, MedGen C0027672, MeSH D009386, MONDO:0015356.

gnomAD v4.1: 1 of 1,614,160 alleles (0.000062%); highest among the groups gnomAD compares: South Asian, 0.0011%; no homozygotes.

Submission:

Ambry Genetics
Classification: Uncertain significance for Hereditary cancer-predisposing syndrome. Last evaluated: 2026-01-06. Review status: criteria provided, single submitter. Criteria: Ambry Variant Classification Scheme 2023. Collection method: clinical testing. Allele origin: germline.
Comment: The p.D1025N variant (also known as c.3073G>A), located in coding exon 19 of the RET gene, results from a G to A substitution at nucleotide position 3073. The aspartic acid at codon 1025 is replaced by asparagine, an amino acid with highly similar properties. This amino acid position is conserved. In addition, this alteration is predicted to be tolerated by in silico analysis. Based on the available evidence, the clinical significance of this variant remains unclear.

NM_020975.6(RET):c.3073G>A (p.Asp1025Asn)

Gene: RET (ret proto-oncogene; plus strand). Cytogenetic location: 10q11.21.
Variant type: single nucleotide variant.
Coding change: c.3073G>A on transcript NM_020975.6 (MANE Select); coding-DNA position 3073, G replaced by A.
Protein change: p.Asp1025Asn; replaces aspartic acid 1025 with asparagine.
Molecular consequence: missense variant.
Genome position (GRCh38, 1-based): chr10:43,126,608, G>A. VCF-style: chr10-43126608-G-A. GRCh37 (hg19) VCF-style: chr10-43622056-G-A.
Other names: c.2311G>A, p.Asp771Asn (NM_001355216.2); c.2785G>A, p.Asp929Asn (NM_001406767.1, NM_001406770.1, NM_001406766.1); c.2809G>A, p.Asp937Asn (NM_001406768.1); c.2677G>A, p.Asp893Asn (NM_001406769.1, NM_001406772.1); c.2635G>A, p.Asp879Asn (NM_001406771.1, NM_001406773.1); c.2548G>A, p.Asp850Asn (NM_001406774.1); c.2347G>A, p.Asp783Asn (NM_001406775.1, NM_001406776.1, NM_001406777.1 and 1 more transcripts); c.2047G>A, p.Asp683Asn (NM_001406786.1, NM_001406783.1); and 10 more; short protein forms D686N, D771N, D783N, D893N, D937N, D982N, D542N, D850N.
Identifiers: ClinVar variation 4844015 (VCV004844015.1).